The following is an entry in ClinVar:

NM_000132.4(F8):c.3106G>C (p.Gly1036Arg)

Gene: F8 (coagulation factor VIII; minus strand). Cytogenetic location: Xq28.
Variant type: single nucleotide variant.
Coding change: c.3106G>C on transcript NM_000132.4 (MANE Select); coding-DNA position 3106, G replaced by C.
Protein change: p.Gly1036Arg; replaces glycine 1036 with arginine.
Molecular consequence: missense variant.
Genome position (GRCh38, 1-based): chrX:154,930,684, C>G on the plus strand (G>C on the coding strand, the complement: F8 is on the minus strand). VCF-style: chrX-154930684-C-G. GRCh37 (hg19) VCF-style: chrX-154158959-C-G.
Other names: short protein forms G1036R.
Identifiers: ClinVar variation 2661867 (VCV002661867.24), dbSNP rs2523913187, ClinGen allele CA414898666.
Genomic context (GRCh38, chrX:154,930,684, plus strand): 5'-TGTCACTTTCTAATATATTTTGCCAGACTGATGGACTATTCTCAATTAATAATGATGGGC[C>G]ATCAATGTGAGTCTTTCTATTAGTTGCTGAATTATTGGAAGTTTTGTTTGTCTTTAACAA-3'
Protein context (NP_000123.1, residues 1026-1046): SATNRKTHID[Gly1036Arg]PSLLIENSPS

ClinVar aggregate classification (germline): Uncertain significance (1 of 4 stars; one submission).

Submission:

CeGaT Center for Human Genetics Tuebingen
Classification: Uncertain significance. Last evaluated: 2023-10-01. Review status: criteria provided, single submitter. Criteria: CeGaT Center For Human Genetics Tuebingen Variant Classification Criteria Version 2. Collection method: clinical testing. Allele origin: germline. Affected: yes. Observed: 1 variant allele.
Comment: F8: PM2